The following is an entry in ClinVar:

NM_001206927.2(DNAH8):c.49C>A (p.Pro17Thr)

Genes: DNAH8 (dynein axonemal heavy chain 8; plus strand), LOC126859667 (BRD4-independent group 4 enhancer GRCh37_chr6:38690326-38691525; plus strand). Cytogenetic location: 6p21.2.
Variant type: single nucleotide variant.
Coding change: c.49C>A on transcript NM_001206927.2 (MANE Select); coding-DNA position 49, C replaced by A.
Protein change: p.Pro17Thr; replaces proline 17 with threonine.
Molecular consequence: missense variant. On other transcripts: 5 prime UTR variant (1).
Genome position (GRCh38, 1-based): chr6:38,722,858, C>A. VCF-style: chr6-38722858-C-A. GRCh37 (hg19) VCF-style: chr6-38690634-C-A.
Other names: c.-518C>A (NM_001371.4); short protein forms P17T.
Identifiers: ClinVar variation 4811974 (VCV004811974.1).

ClinVar aggregate classification (germline): Uncertain significance (1 of 4 stars; one submission).

Conditions:
Primary ciliary dyskinesia. Also called: Ciliary dyskinesia. Identifiers: Orphanet 244, MedGen C0008780, MONDO:0016575, HP:0012265.

Submission:

Labcorp Genetics (formerly Invitae), Labcorp
Classification: Uncertain significance for Primary ciliary dyskinesia. Last evaluated: 2026-01-11. Review status: criteria provided, single submitter. Criteria: Invitae Variant Classification Sherloc (09022015). Collection method: clinical testing. Allele origin: germline.
Comment: This sequence change replaces proline, which is neutral and non-polar, with threonine, which is neutral and polar, at codon 17 of the DNAH8 protein (p.Pro17Thr). This variant is not present in population databases (gnomAD no frequency). This variant has not been reported in the literature in individuals affected with DNAH8-related conditions. Experimental studies and prediction algorithms are not available or were not evaluated, and the functional significance of this variant is currently unknown. In summary, the available evidence is currently insufficient to determine the role of this variant in disease. Therefore, it has been classified as a Variant of Uncertain Significance.